The following is an entry in ClinVar:

ClinVar aggregate classification (germline): Pathogenic/Likely pathogenic. Review status: criteria provided, multiple submitters, no conflicts (2 of 4 stars). 5 submissions from 5 submitters: Pathogenic (1); Likely pathogenic (2). 2 of the submissions do not count toward it. Last evaluated 2024-03-16.

Conditions:
Gyrate atrophy of choroid and retina with pyridoxine-responsive ornithinemia. Identifiers: MedGen C4017305.
Ornithine aminotransferase deficiency (GACR). Also called: OAT DEFICIENCY; OKT DEFICIENCY; Ornithine ketoacid aminotransferase deficiency; Gyrate atrophy; Gyrate atrophy of choroid and retina; Girate atrophy of the retina. Identifiers: Orphanet 414, MedGen C0018425, MONDO:0009796, OMIM 258870.

Allele frequency attached by ClinVar (database versions not stated): gnomAD exomes below 0.00001; ExAC 0.00001.
gnomAD v4.1: 1 of 1,612,822 alleles (0.000062%); highest among the groups gnomAD compares: Non-Finnish European, 0.000085%; no homozygotes.

Submissions (5):

Labcorp Genetics (formerly Invitae), Labcorp
Classification: Likely pathogenic for Ornithine aminotransferase deficiency. Last evaluated: 2024-03-16. Review status: criteria provided, single submitter. Criteria: Invitae Variant Classification Sherloc (09022015). Collection method: clinical testing. Allele origin: germline.
Comment: This sequence change replaces valine, which is neutral and non-polar, with methionine, which is neutral and non-polar, at codon 332 of the OAT protein (p.Val332Met). This variant is present in population databases (rs121965047, gnomAD 0.0009%). This missense change has been observed in individuals with gyrate atrophy (PMID: 3375240, 23076989). ClinVar contains an entry for this variant (Variation ID: 162). Advanced modeling of protein sequence and biophysical properties (such as structural, functional, and spatial information, amino acid conservation, physicochemical variation, residue mobility, and thermodynamic stability) performed at Invitae indicates that this missense variant is expected to disrupt OAT protein function with a positive predictive value of 80%. Experimental studies have shown that this missense change affects OAT function (PMID: 3375240, 7887415, 8281144, 23076989). In summary, the currently available evidence indicates that the variant is pathogenic, but additional data are needed to prove that conclusively. Therefore, this variant has been classified as Likely Pathogenic.

Fulgent Genetics
Classification: Likely pathogenic for Ornithine aminotransferase deficiency. Last evaluated: 2024-01-20. Review status: criteria provided, single submitter. Criteria: ACMG Guidelines, 2015. Collection method: clinical testing. Allele origin: germline.

Baylor Genetics
Classification: Pathogenic for Ornithine aminotransferase deficiency. Last evaluated: 2022-01-31. Review status: criteria provided, single submitter. Criteria: ACMG Guidelines, 2015. Collection method: clinical testing. Allele origin: unknown.

OMIM
Classification: Pathogenic for GYRATE ATROPHY OF CHOROID AND RETINA WITH PYRIDOXINE-RESPONSIVE ORNITHINEMIA. Last evaluated: 1993-11-01. Review status: no assertion criteria provided. Collection method: literature only. Allele origin: germline. Not counted in ClinVar's aggregate classification.

Juha Muilu Group; Institute for Molecular Medicine Finland (FIMM)
Classification: Likely pathogenic for Ornithine aminotransferase deficiency. Review status: no assertion criteria provided. Collection method: not provided. Allele origin: unknown. Not counted in ClinVar's aggregate classification.
Comment: FinDis database variant: This variant was not found or characterized by our laboratory, data were collected from public sources: see reference
ClinVar note: Converted during submission from probable-pathogenic to Likely pathogenic.

Literature cited by the submitters: PubMed 3375240 (cited by Labcorp Genetics (formerly Invitae), Labcorp and OMIM); PubMed 23076989 (cited by Labcorp Genetics (formerly Invitae), Labcorp); PubMed 7887415 (cited by Labcorp Genetics (formerly Invitae), Labcorp); PubMed 8281144 (cited by Labcorp Genetics (formerly Invitae), Labcorp and OMIM).

NM_000274.4(OAT):c.994G>A (p.Val332Met)

Gene: OAT (ornithine aminotransferase; minus strand). Cytogenetic location: 10q26.13.
Variant type: single nucleotide variant.
Coding change: c.994G>A on transcript NM_000274.4 (MANE Select); coding-DNA position 994, G replaced by A.
Protein change: p.Val332Met; replaces valine 332 with methionine.
Molecular consequence: missense variant.
Genome position (GRCh38, 1-based): chr10:124,401,746, C>T on the plus strand (G>A on the coding strand, the complement: OAT is on the minus strand). VCF-style: chr10-124401746-C-T. GRCh37 (hg19) VCF-style: chr10-126090315-C-T.
Other names: c.580G>A, p.Val194Met (NM_001171814.2); c.994G>A, p.Val332Met (NM_001322965.2, NM_001322966.2, NM_001322967.2 and 3 more transcripts); c.673G>A, p.Val225Met (NM_001322971.2); c.394G>A, p.Val132Met (NM_001322974.2); short protein forms V332M, V194M, V225M, V132M.
Identifiers: ClinVar variation 162 (VCV000000162.6), dbSNP rs121965047, ClinGen allele CA113959.